The following is an entry in ClinVar:

NM_032638.5(GATA2):c.779A>T (p.Tyr260Phe)

Gene: GATA2 (GATA binding protein 2; minus strand). Cytogenetic location: 3q21.3.
Variant type: single nucleotide variant.
Coding change: c.779A>T on transcript NM_032638.5 (MANE Select); coding-DNA position 779, A replaced by T.
Protein change: p.Tyr260Phe; replaces tyrosine 260 with phenylalanine.
Molecular consequence: missense variant.
Genome position (GRCh38, 1-based): chr3:128,485,819, T>A on the plus strand (A>T on the coding strand, the complement: GATA2 is on the minus strand). VCF-style: chr3-128485819-T-A. GRCh37 (hg19) VCF-style: chr3-128204662-T-A.
Other names: c.779A>T, p.Tyr260Phe (NM_001145661.2, NM_001145662.1); short protein forms Y260F.
Identifiers: ClinVar variation 5022170 (VCV005022170.1).

ClinVar aggregate classification (germline): Uncertain significance (1 of 4 stars; one submission).

Conditions:
Inborn genetic diseases. Identifiers: MedGen C0950123, MeSH D030342.

Submission:

Ambry Genetics
Classification: Uncertain significance for Inborn genetic diseases. Last evaluated: 2026-08-23. Review status: criteria provided, single submitter. Criteria: Ambry Variant Classification Scheme 2023. Collection method: clinical testing. Allele origin: germline.
Comment: The p.Y260F variant (also known as c.779A>T), located in coding exon 2 of the GATA2 gene, results from an A to T substitution at nucleotide position 779. The tyrosine at codon 260 is replaced by phenylalanine, an amino acid with highly similar properties. This amino acid position is conserved. In addition, the in silico prediction for this alteration is inconclusive. Based on the available evidence, the clinical significance of this variant remains unclear.